The following is an entry in ClinVar:

NM_032043.3(BRIP1):c.380-2A>G

Gene: BRIP1 (BRCA1 interacting DNA helicase 1; minus strand). Cytogenetic location: 17q23.2.
Variant type: single nucleotide variant.
Coding change: c.380-2A>G on transcript NM_032043.3 (MANE Select); the canonical splice acceptor site of the intron before coding-DNA position 380, A replaced by G.
Molecular consequence: splice acceptor variant.
Genome position (GRCh38, 1-based): chr17:61,849,258, T>C on the plus strand (A>G on the coding strand, the complement: BRIP1 is on the minus strand). VCF-style: chr17-61849258-T-C. GRCh37 (hg19) VCF-style: chr17-59926619-T-C.
Identifiers: ClinVar variation 628721 (VCV000628721.4), dbSNP rs1567868785, ClinGen allele CA400484623.

ClinVar aggregate classification (germline): Likely pathogenic (1 of 4 stars; one submission).

Conditions:
Hereditary cancer-predisposing syndrome. Also called: Neoplastic Syndromes, Hereditary; Tumor predisposition; Hereditary neoplastic syndrome; Hereditary Cancer Syndrome. Identifiers: Orphanet 140162, MedGen C0027672, MeSH D009386, MONDO:0015356.

Submission:

Color Diagnostics, LLC DBA Color Health
Classification: Likely pathogenic for Hereditary cancer-predisposing syndrome. Last evaluated: 2020-02-05. Review status: criteria provided, single submitter. Criteria: ACMG Guidelines, 2015. Collection method: clinical testing. Allele origin: germline.
Comment: This variant causes an A>G nucleotide substitution at the -2 position of intron 4 of the BRIP1 gene. Splice site prediction tools suggest that this variant may have a significant impact on RNA splicing. Although this prediction has not been confirmed in published RNA studies, this variant is expected to result in an absent or disrupted protein product. This variant has not been reported in individuals affected with hereditary cancer in the literature. This variant has not been identified in the general population by the Genome Aggregation Database (gnomAD). Loss of BRIP1 function is a known mechanism of disease. Based on the available evidence, this variant is classified as Likely Pathogenic.